The following is an entry in ClinVar:

ClinVar aggregate classification (germline): Uncertain significance. Review status: criteria provided, multiple submitters, no conflicts (2 of 4 stars). 3 submissions from 3 submitters: Uncertain significance (3). Last evaluated 2024-10-26.

Conditions:
Hydrolethalus syndrome 2 (HLS2). Identifiers: Orphanet 2189, MedGen C3279899, MONDO:0013585, OMIM 614120.
Acrocallosal syndrome (ACLS). Also called: HALLUX DUPLICATION, POSTAXIAL POLYDACTYLY, AND ABSENCE OF CORPUS CALLOSUM; Schinzel syndrome 1; Absence of corpus callosum with unusual facial appearance, mental deficiency, duplication of the halluces and polydactyly. Identifiers: Orphanet 36, MedGen C0796147, MONDO:0008708, OMIM 200990.

Allele frequency attached by ClinVar (database versions not stated): gnomAD exomes 0.00008 and 0.00016; ExAC 0.00010; gnomAD 0.00010; TOPMed 0.00012.

Submissions (3):

Labcorp Genetics (formerly Invitae), Labcorp
Classification: Uncertain significance for Acrocallosal syndrome. Last evaluated: 2024-10-26. Review status: criteria provided, single submitter. Criteria: Invitae Variant Classification Sherloc (09022015). Collection method: clinical testing. Allele origin: germline.
Comment: This sequence change replaces valine, which is neutral and non-polar, with methionine, which is neutral and non-polar, at codon 70 of the KIF7 protein (p.Val70Met). This variant is present in population databases (rs761934745, gnomAD 0.02%). This variant has not been reported in the literature in individuals affected with KIF7-related conditions. ClinVar contains an entry for this variant (Variation ID: 317382). Invitae Evidence Modeling of protein sequence and biophysical properties (such as structural, functional, and spatial information, amino acid conservation, physicochemical variation, residue mobility, and thermodynamic stability) indicates that this missense variant is not expected to disrupt KIF7 protein function with a negative predictive value of 80%. In summary, the available evidence is currently insufficient to determine the role of this variant in disease. Therefore, it has been classified as a Variant of Uncertain Significance.

Baylor Genetics
Classification: Uncertain significance for Hydrolethalus syndrome 2. Last evaluated: 2022-10-31. Review status: criteria provided, single submitter. Criteria: ACMG Guidelines, 2015. Collection method: clinical testing. Allele origin: unknown.

Illumina Laboratory Services, Illumina
Classification: Uncertain significance for Acrocallosal syndrome. Last evaluated: 2018-01-13. Review status: criteria provided, single submitter. Criteria: ICSL Variant Classification Criteria 13 December 2019. Collection method: clinical testing. Allele origin: germline.

NM_198525.3(KIF7):c.208G>A (p.Val70Met)

Gene: KIF7 (kinesin family member 7; minus strand). Cytogenetic location: 15q26.1.
Variant type: single nucleotide variant.
Coding change: c.208G>A on transcript NM_198525.3 (MANE Select); coding-DNA position 208, G replaced by A.
Protein change: p.Val70Met; replaces valine 70 with methionine.
Molecular consequence: missense variant.
Genome position (GRCh38, 1-based): chr15:89,652,723, C>T on the plus strand (G>A on the coding strand, the complement: KIF7 is on the minus strand). VCF-style: chr15-89652723-C-T. GRCh37 (hg19) VCF-style: chr15-90195954-C-T.
Other names: short protein forms V70M.
Identifiers: ClinVar variation 317382 (VCV000317382.9), dbSNP rs761934745, ClinGen allele CA7728674.